The following is an entry in ClinVar:

ClinVar aggregate classification (germline): Uncertain significance (1 of 4 stars; one submission).

Submission:

Labcorp Genetics (formerly Invitae), Labcorp
Classification: Uncertain significance. Last evaluated: 2021-10-11. Review status: criteria provided, single submitter. Criteria: Invitae Variant Classification Sherloc (09022015). Collection method: clinical testing. Allele origin: germline.
Comment: In summary, the available evidence is currently insufficient to determine the role of this variant in disease. Therefore, it has been classified as a Variant of Uncertain Significance. Algorithms developed to predict the effect of missense changes on protein structure and function are either unavailable or do not agree on the potential impact of this missense change (SIFT: "Deleterious"; PolyPhen-2: "Probably Damaging"; Align-GVGD: "Class C0"). This variant has not been reported in the literature in individuals affected with CTNNA1-related conditions. This variant is not present in population databases (ExAC no frequency). This sequence change replaces alanine with threonine at codon 281 of the CTNNA1 protein (p.Ala281Thr). The alanine residue is highly conserved and there is a small physicochemical difference between alanine and threonine.

NM_001903.5(CTNNA1):c.841G>A (p.Ala281Thr)

Gene: CTNNA1 (catenin alpha 1; plus strand). Cytogenetic location: 5q31.2.
Variant type: single nucleotide variant.
Coding change: c.841G>A on transcript NM_001903.5 (MANE Select); coding-DNA position 841, G replaced by A.
Protein change: p.Ala281Thr; replaces alanine 281 with threonine.
Molecular consequence: missense variant.
Genome position (GRCh38, 1-based): chr5:138,824,782, G>A. VCF-style: chr5-138824782-G-A. GRCh37 (hg19) VCF-style: chr5-138160471-G-A.
Other names: c.841G>A, p.Ala281Thr (NM_001290307.3, NM_001323982.2, NM_001323983.1 and 3 more transcripts); c.532G>A, p.Ala178Thr (NM_001290309.3); c.472G>A, p.Ala158Thr (NM_001290310.3); short protein forms A158T, A178T, A281T.
Identifiers: ClinVar variation 1524533 (VCV001524533.6), dbSNP rs2149776737, ClinGen allele CA361130266.